The following is an entry in ClinVar:

NM_199420.4(POLQ):c.1810A>G (p.Thr604Ala)

Gene: POLQ (DNA polymerase theta; minus strand). Cytogenetic location: 3q13.33.
Variant type: single nucleotide variant.
Coding change: c.1810A>G on transcript NM_199420.4 (MANE Select); coding-DNA position 1810, A replaced by G.
Protein change: p.Thr604Ala; replaces threonine 604 with alanine.
Molecular consequence: missense variant.
Genome position (GRCh38, 1-based): chr3:121,510,045, T>C on the plus strand (A>G on the coding strand, the complement: POLQ is on the minus strand). VCF-style: chr3-121510045-T-C. GRCh37 (hg19) VCF-style: chr3-121228892-T-C.
Other names: short protein forms T604A.
Identifiers: ClinVar variation 1780575 (VCV001780575.2), dbSNP rs2546802509, ClinGen allele CA354114248.

ClinVar aggregate classification (germline): Uncertain significance (1 of 4 stars; one submission).

Allele frequency attached by ClinVar (database versions not stated): gnomAD exomes below 0.00001.
gnomAD v4.1: 3 of 1,612,462 alleles (0.00019%); highest among the groups gnomAD compares: South Asian, 0.0022%; no homozygotes.

Submission:

Ambry Genetics
Classification: Uncertain significance. Last evaluated: 2022-01-29. Review status: criteria provided, single submitter. Criteria: Ambry Variant Classification Scheme 2023. Collection method: clinical testing. Allele origin: germline.
Comment: The p.T604A variant (also known as c.1810A>G), located in coding exon 11 of the POLQ gene, results from an A to G substitution at nucleotide position 1810. The threonine at codon 604 is replaced by alanine, an amino acid with similar properties. This amino acid position is conserved. In addition, this alteration is predicted to be tolerated by in silico analysis. Since supporting evidence is limited at this time, the clinical significance of this alteration remains unclear.